The following is an entry in ClinVar:

NM_012123.4(MTO1):c.1940C>T (p.Pro647Leu)

Gene: MTO1 (mitochondrial tRNA translation optimization 1; plus strand). Cytogenetic location: 6q13.
Variant type: single nucleotide variant.
Coding change: c.1940C>T on transcript NM_012123.4 (MANE Select); coding-DNA position 1940, C replaced by T.
Protein change: p.Pro647Leu; replaces proline 647 with leucine.
Molecular consequence: missense variant.
Genome position (GRCh38, 1-based): chr6:73,500,596, C>T. VCF-style: chr6-73500596-C-T. GRCh37 (hg19) VCF-style: chr6-74210319-C-T.
Other names: c.2060C>T, p.Pro687Leu (NM_001123226.2); c.2015C>T, p.Pro672Leu (NM_133645.3); short protein forms P647L, P672L, P687L.
Identifiers: ClinVar variation 569978 (VCV000569978.12), dbSNP rs151330992, ClinGen allele CA3889797.

ClinVar aggregate classification (germline): Uncertain significance. Review status: criteria provided, multiple submitters, no conflicts (2 of 4 stars). 5 submissions from 5 submitters: Uncertain significance (4). 1 of the submissions does not count toward it. Last evaluated 2025-08-12.

Conditions:
MTO1-related disorder. Also called: MTO1-related condition.
Mitochondrial hypertrophic cardiomyopathy with lactic acidosis due to MTO1 deficiency. Also called: Combined oxidative phosphorylation deficiency 10; CARDIOMYOPATHY, INFANTILE HYPERTROPHIC MITOCHONDRIAL, AND LACTIC ACIDOSIS. Identifiers: Orphanet 314637, MedGen C4749921, MONDO:0013865, OMIM 614702.

Allele frequency attached by ClinVar (database versions not stated): 1000 Genomes Project 30x 0.00016; gnomAD 0.00016; 1000 Genomes Project 0.00020; ExAC 0.00028; gnomAD exomes 0.00032; TOPMed 0.00038; ESP Exome Variant Server 0.00062.
gnomAD v4.1: 847 of 1,613,096 alleles (0.053%); highest among the groups gnomAD compares: Non-Finnish European, 0.062%; 2 homozygotes.

Submissions (5):

GeneDx
Classification: Uncertain significance. Last evaluated: 2025-08-12. Review status: criteria provided, single submitter. Criteria: GeneDx Variant Classification Process June 2021. Collection method: clinical testing. Allele origin: germline. Affected: yes.
Comment: In silico analysis supports that this missense variant has a deleterious effect on protein structure/function; Has not been previously published as pathogenic or benign to our knowledge

Blueprint Genetics
Classification: Uncertain significance. Last evaluated: 2023-11-15. Review status: criteria provided, single submitter. Criteria: ACMG Guidelines, 2015. Collection method: clinical testing. Allele origin: germline.

Labcorp Genetics (formerly Invitae), Labcorp
Classification: Uncertain significance for Mitochondrial hypertrophic cardiomyopathy with lactic acidosis due to MTO1 deficiency. Last evaluated: 2022-10-17. Review status: criteria provided, single submitter. Criteria: Invitae Variant Classification Sherloc (09022015). Collection method: clinical testing. Allele origin: germline.
Comment: This sequence change replaces proline, which is neutral and non-polar, with leucine, which is neutral and non-polar, at codon 647 of the MTO1 protein (p.Pro647Leu). This variant is present in population databases (rs151330992, gnomAD 0.1%). This variant has not been reported in the literature in individuals affected with MTO1-related conditions. ClinVar contains an entry for this variant (Variation ID: 569978). Advanced modeling of protein sequence and biophysical properties (such as structural, functional, and spatial information, amino acid conservation, physicochemical variation, residue mobility, and thermodynamic stability) has been performed at Invitae for this missense variant, however the output from this modeling did not meet the statistical confidence thresholds required to predict the impact of this variant on MTO1 protein function. In summary, the available evidence is currently insufficient to determine the role of this variant in disease. Therefore, it has been classified as a Variant of Uncertain Significance.

Department of Pathology and Laboratory Medicine, Sinai Health System
Classification: Uncertain significance for Mitochondrial hypertrophic cardiomyopathy with lactic acidosis due to MTO1 deficiency. Last evaluated: 2021-07-30. Review status: criteria provided, single submitter. Criteria: ACMG Guidelines, 2015. Collection method: research. Allele origin: germline.

PreventionGenetics, part of Exact Sciences
Classification: Likely benign for MTO1-related condition. Last evaluated: 2024-07-17. Review status: no assertion criteria provided. Collection method: clinical testing. Allele origin: germline. Not counted in ClinVar's aggregate classification.
Comment: This variant is classified as likely benign based on ACMG/AMP sequence variant interpretation guidelines (Richards et al. 2015 PMID: 25741868, with internal and published modifications).